The following is an entry in ClinVar:

NM_004304.5(ALK):c.1820T>G (p.Phe607Cys)

Gene: ALK (ALK receptor tyrosine kinase; minus strand). Cytogenetic location: 2p23.2.
Variant type: single nucleotide variant.
Coding change: c.1820T>G on transcript NM_004304.5 (MANE Select); coding-DNA position 1820, T replaced by G.
Protein change: p.Phe607Cys; replaces phenylalanine 607 with cysteine.
Molecular consequence: missense variant.
Genome position (GRCh38, 1-based): chr2:29,275,494, A>C on the plus strand (T>G on the coding strand, the complement: ALK is on the minus strand). VCF-style: chr2-29275494-A-C. GRCh37 (hg19) VCF-style: chr2-29498360-A-C.
Other names: short protein forms F607C.
Identifiers: ClinVar variation 4779487 (VCV004779487.1).
Genomic context (GRCh38, chr2:29,275,494, plus strand): 5'-TTGTCAAAAGCCACGATGGCTCTGGATCCTTGTCCCCACCATGCGACCATCTGCAGCCAG[A>C]ACCTGTACACATCAAGAGGAATGTGTGTGAGGAGCAAACTGGGGGGTCTTGTCTTAGGAT-3'
Protein context (NP_004295.2, residues 597-617): VLPLLDVSDR[Phe607Cys]WLQMVAWWGQ

ClinVar aggregate classification (germline): Uncertain significance (1 of 4 stars; one submission).

Conditions:
Neuroblastoma, susceptibility to, 3. Also called: ALK-Related Neuroblastic Tumor Susceptibility. Identifiers: Orphanet 635, MedGen C2751681, MONDO:0013083, OMIM 613014.

gnomAD v4.1: 1 of 1,614,058 alleles (0.000062%); highest among the groups gnomAD compares: Non-Finnish European, 0.000085%; no homozygotes.

Submission:

Labcorp Genetics (formerly Invitae), Labcorp
Classification: Uncertain significance for Neuroblastoma, susceptibility to, 3. Last evaluated: 2025-08-11. Review status: criteria provided, single submitter. Criteria: Invitae Variant Classification Sherloc (09022015). Collection method: clinical testing. Allele origin: germline.
Comment: This sequence change replaces phenylalanine, which is neutral and non-polar, with cysteine, which is neutral and slightly polar, at codon 607 of the ALK protein (p.Phe607Cys). This variant is not present in population databases (gnomAD no frequency). This variant has not been reported in the literature in individuals affected with ALK-related conditions. An algorithm developed to predict the effect of missense changes on protein structure and function (PolyPhen-2) suggests that this variant is likely to be disruptive. In summary, the available evidence is currently insufficient to determine the role of this variant in disease. Therefore, it has been classified as a Variant of Uncertain Significance.